The following is an entry in ClinVar:

ClinVar aggregate classification (germline): Likely pathogenic. Review status: criteria provided, single submitter (1 of 4 stars). 2 submissions from 2 submitters: Likely pathogenic (1). 1 of the submissions does not count toward it. Last evaluated 2019-06-17.

Conditions:
Hurler syndrome. Also called: Gargoylism, Hurler Syndrome; MUCOPOLYSACCHARIDOSIS TYPE IH; Severe MPS I (Hurler Syndrome). Identifiers: Orphanet 93473, MedGen C0086795, MONDO:0011758, OMIM 607014.
Mucopolysaccharidosis type 1. Also called: Mucopolysaccharidosis Type I; IDUA deficiency; MPS I. Identifiers: Orphanet 579, MedGen C0023786, MONDO:0001586.

Submissions (2):

Labcorp Genetics (formerly Invitae), Labcorp
Classification: Likely pathogenic for Mucopolysaccharidosis type 1. Last evaluated: 2019-06-17. Review status: criteria provided, single submitter. Criteria: Invitae Variant Classification Sherloc (09022015). Collection method: clinical testing. Allele origin: germline.
Comment: This variant disrupts the p.Ser633 amino acid residue in IDUA. Other variant(s) that disrupt this residue have been determined to be pathogenic (PMID: 11735025, 27146977, 28752568). This suggests that this residue is clinically significant, and that variants that disrupt this residue are likely to be disease-causing. In summary, the currently available evidence indicates that the variant is pathogenic, but additional data are needed to prove that conclusively. Therefore, this variant has been classified as Likely Pathogenic. This variant has not been reported in the literature in individuals with IDUA-related conditions. ClinVar contains an entry for this variant (Variation ID: 553899). This variant is not present in population databases (ExAC no frequency). This sequence change results in a premature translational stop signal in the IDUA gene (p.Ser633Argfs*?). While this is not anticipated to result in nonsense mediated decay, it is expected to disrupt the last 21 amino acids of the IDUA protein and extend the protein by an uncertain number of additional amino acids.

Counsyl
Classification: Likely pathogenic for Hurler syndrome. Last evaluated: 2017-09-19. Review status: no assertion criteria provided. Collection method: clinical testing. Allele origin: unknown. Not counted in ClinVar's aggregate classification.

Literature cited by the submitters: PubMed 11735025 (cited by Labcorp Genetics (formerly Invitae), Labcorp); PubMed 27146977 (cited by Labcorp Genetics (formerly Invitae), Labcorp); PubMed 28752568 (cited by Labcorp Genetics (formerly Invitae), Labcorp).

NM_000203.5(IDUA):c.1897del (p.Ser633fs)

Gene: IDUA (alpha-L-iduronidase; plus strand). Cytogenetic location: 4p16.3.
Variant type: Deletion.
Coding change: c.1897del on transcript NM_000203.5 (MANE Select); coding-DNA position 1897, one base deleted (T; older notation c.1897delT).
Protein change: p.Ser633fs; shifts the reading frame from serine 633.
Molecular consequence: frameshift variant. On other transcripts: non-coding transcript variant (1).
Genome position (GRCh38, 1-based): chr4:1,004,328, T deleted. VCF-style (leftmost placement, unchanged base first): chr4-1004327-CT-C. GRCh37 (hg19) VCF-style: chr4-998115-CT-C.
Other names: c.1501del, p.Ser501fs (NM_001363576.1); short protein forms S633fs, S501fs.
Identifiers: ClinVar variation 553899 (VCV000553899.10), dbSNP rs1553917756, ClinGen allele CA658823301.